The following is an entry in ClinVar:

ClinVar aggregate classification (germline): Pathogenic/Likely pathogenic. Review status: criteria provided, multiple submitters, no conflicts (2 of 4 stars). 2 submissions from 2 submitters: Pathogenic (1); Likely pathogenic (1). Last evaluated 2024-10-27.

Conditions:
Hereditary hyperinsulinism.
Type 2 diabetes mellitus. Also called: Type II diabetes mellitus. Identifiers: MedGen C0011860, MeSH D003924, MONDO:0005148, OMIM 125853, HP:0005978.
Leucine-induced hypoglycemia (LIH). Also called: LEUCINE-SENSITIVE HYPOGLYCEMIA OF INFANCY. Identifiers: MedGen C0271714, MONDO:0009415, OMIM 240800.
Diabetes mellitus, permanent neonatal 3. Also called: ABCC8-Related Permanent Neonatal Diabetes Mellitus. Identifiers: MedGen C5394303, MONDO:0030088, OMIM 618857.
Diabetes mellitus, transient neonatal, 2 (TNDM2). Identifiers: Orphanet 99886, MedGen C1835887, MONDO:0012480, OMIM 610374. Disease mechanism: loss of function.
Hyperinsulinemic hypoglycemia, familial, 1 (HHF1). Also called: NESIDIOBLASTOSIS OF PANCREAS; Persistent hyperinsulinemic hypoglycemia of infancy; HYPERINSULINISM, FAMILIAL, WITH PANCREATIC NESIDIOBLASTOSIS; HYPOGLYCEMIA, HYPERINSULINEMIC, OF INFANCY; Persistent Hyperinsulinemia Hypoglycemia of Infancy. Identifiers: Orphanet 276575, Orphanet 276598, MedGen C2931832, MONDO:0009734, OMIM 256450.

Submissions (2):

Natera, Inc.
Classification: Likely pathogenic for Hereditary hyperinsulinism. Last evaluated: 2024-10-27. Review status: criteria provided, single submitter. Criteria: Natera Variant Classification Schema (03/2026). Collection method: clinical testing. Allele origin: germline.
Comment: The c.25G>T variant in ABCC8 is a nonsense variant predicted to introduce a stop codon at amino acid 9. This variant is expected to result in nonsense mediated decay, truncation, or a dysfunctional protein product. This variant is rare in the general population with a frequency below the threshold expected for the associated phenotype(s). Given the available evidence, this variant is classified as Likely Pathogenic.

Fulgent Genetics
Classification: Pathogenic for Type 2 diabetes mellitus; Leucine-induced hypoglycemia; Hyperinsulinemic hypoglycemia, familial, 1; Diabetes mellitus, transient neonatal, 2; Diabetes mellitus, permanent neonatal 3. Last evaluated: 2024-04-01. Review status: criteria provided, single submitter. Criteria: ACMG Guidelines, 2015. Collection method: clinical testing. Allele origin: germline.

NM_000352.6(ABCC8):c.25G>T (p.Glu9Ter)

Gene: ABCC8 (ATP binding cassette subfamily C member 8; minus strand). Cytogenetic location: 11p15.1.
Variant type: single nucleotide variant.
Coding change: c.25G>T on transcript NM_000352.6 (MANE Select); coding-DNA position 25, G replaced by T.
Protein change: p.Glu9Ter; replaces glutamic acid 9 with a stop codon.
Molecular consequence: nonsense. On other transcripts: non-coding transcript variant (1).
Genome position (GRCh38, 1-based): chr11:17,476,752, C>A on the plus strand (G>T on the coding strand, the complement: ABCC8 is on the minus strand). VCF-style: chr11-17476752-C-A. GRCh37 (hg19) VCF-style: chr11-17498299-C-A.
Other names: c.25G>T, p.Glu9Ter (NM_001287174.3, NM_001351295.2, NM_001351296.2 and 1 more transcripts); c.25G>T (NM_000352.4); short protein forms E9*.
Identifiers: ClinVar variation 3599432 (VCV003599432.2).
Genomic context (GRCh38, chr11:17,476,752, plus strand): 5'-CCACAAAGCAGCCGTTGTTGAGGACCCCCTGGTCCACCCGGTAGGCGGCCGAGTGGTTCT[C>A]GCTGCCGCAGAAGGCCAGGGGCATGGCGGCGCGGGCGCGGGCTGGGCTCGGGCTCAGCTG-3'